The following is an entry in ClinVar:

NM_002386.4(MC1R):c.414C>T (p.Ile138=)

Gene: MC1R (melanocortin 1 receptor; plus strand). Cytogenetic location: 16q24.3.
Variant type: single nucleotide variant.
Coding change: c.414C>T on transcript NM_002386.4 (MANE Select); coding-DNA position 414, C replaced by T.
Protein change: p.Ile138=; no amino-acid change (isoleucine 138 retained).
Molecular consequence: synonymous variant.
Genome position (GRCh38, 1-based): chr16:89,919,672, C>T. VCF-style: chr16-89919672-C-T. GRCh37 (hg19) VCF-style: chr16-89986080-C-T.
Identifiers: ClinVar variation 696636 (VCV000696636.13), dbSNP rs377411334, ClinGen allele CA8255579.

ClinVar aggregate classification (germline): Benign/Likely benign. Review status: criteria provided, multiple submitters, no conflicts (2 of 4 stars). 3 submissions from 3 submitters: Benign (1); Likely benign (1). 1 of the submissions does not count toward it. Last evaluated 2025-04-08.

Conditions:
MC1R-related disorder. Also called: MC1R-related condition.
Melanoma, cutaneous malignant, susceptibility to, 5. Also called: Cutaneous malignant melanoma 5. Identifiers: Orphanet 618, MedGen C2751295, MONDO:0013133, OMIM 613099.

Allele frequency attached by ClinVar (database versions not stated): gnomAD 0.00009; gnomAD exomes 0.00012 and 0.00004; TOPMed 0.00008; ExAC 0.00010; ESP Exome Variant Server 0.00015.
gnomAD v4.1: 77 of 1,605,988 alleles (0.0048%); highest among the groups gnomAD compares: East Asian, 0.04%; no homozygotes.

Submissions (3):

Labcorp Genetics (formerly Invitae), Labcorp
Classification: Benign for Melanoma, cutaneous malignant, susceptibility to, 5. Last evaluated: 2025-04-08. Review status: criteria provided, single submitter. Criteria: Invitae Variant Classification Sherloc (09022015). Collection method: clinical testing. Allele origin: germline.

Ambry Genetics
Classification: Likely benign. Last evaluated: 2024-11-21. Review status: criteria provided, single submitter. Criteria: Ambry Variant Classification Scheme 2023. Collection method: clinical testing. Allele origin: germline.

PreventionGenetics, part of Exact Sciences
Classification: Likely benign for MC1R-related condition. Last evaluated: 2019-08-12. Review status: no assertion criteria provided. Collection method: clinical testing. Allele origin: germline. Not counted in ClinVar's aggregate classification.
Comment: This variant is classified as likely benign based on ACMG/AMP sequence variant interpretation guidelines (Richards et al. 2015 PMID: 25741868, with internal and published modifications).